The following is an entry in ClinVar:

ClinVar aggregate classification (germline): Conflicting classifications of pathogenicity. Review status: criteria provided, conflicting classifications (1 of 4 stars). 4 submissions from 4 submitters: Uncertain significance (1); Likely benign (3). Last evaluated 2025-02-06.

Allele frequency attached by ClinVar (database versions not stated): ESP Exome Variant Server 0.00008; gnomAD 0.00013 and 0.00014; 1000 Genomes Project 30x 0.00016; TOPMed 0.00019; 1000 Genomes Project 0.00020.
gnomAD v4.1: 312 of 1,613,026 alleles (0.019%); highest among the groups gnomAD compares: Middle Eastern, 0.35%; 2 homozygotes.

Submissions (4):

Women's Health and Genetics/Laboratory Corporation of America, LabCorp
Classification: Uncertain significance. Last evaluated: 2025-02-06. Review status: criteria provided, single submitter. Criteria: LabCorp Variant Classification Summary - May 2015. Collection method: clinical testing. Allele origin: germline.
Comment: Variant summary: DCC c.1157G>A (p.Arg386Gln) results in a conservative amino acid change located in the Ig-like domain (IPR007110) of the encoded protein sequence. Four of five in-silico tools predict a benign effect of the variant on protein function. The variant allele was found at a frequency of 0.00019 in 1613026 control chromosomes in the gnomAD database, including 2 homozygotes. c.1157G>A has been reported in the literature as a de novo (presumed) variant in at least an individual affected with agenesis of the corpus callosum (Bruel_2019). This report does not provide unequivocal conclusions about association of the variant with mirror movements 1. To our knowledge, no experimental evidence demonstrating an impact on protein function has been reported. The following publications has been ascertained in the context of this evaluation (PMID: 31231135, 27640074). ClinVar contains an entry for this variant (Variation ID: 727883). Based on the evidence outlined above, the variant was classified as uncertain significance.

CeGaT Center for Human Genetics Tuebingen
Classification: Likely benign. Last evaluated: 2023-10-01. Review status: criteria provided, single submitter. Criteria: CeGaT Center For Human Genetics Tuebingen Variant Classification Criteria Version 2. Collection method: clinical testing. Allele origin: germline. Affected: yes. Observed: 1 variant allele.
Comment: DCC: BP4

Labcorp Genetics (formerly Invitae), Labcorp
Classification: Likely benign. Last evaluated: 2018-03-05. Review status: criteria provided, single submitter. Criteria: Invitae Variant Classification Sherloc (09022015). Collection method: clinical testing. Allele origin: germline.

Breakthrough Genomics
Classification: Likely benign. Review status: criteria provided, single submitter. Criteria: ACMG Guidelines, 2015. Collection method: not provided. Allele origin: germline. Inheritance: Autosomal recessive inheritance. Affected: yes.

Literature cited by the submitters: PubMed 27640074 (cited by Women's Health and Genetics/Laboratory Corporation of America, LabCorp); PubMed 31231135 (cited by Women's Health and Genetics/Laboratory Corporation of America, LabCorp).

NM_005215.4(DCC):c.1157G>A (p.Arg386Gln)

Gene: DCC (DCC netrin 1 receptor; plus strand). Cytogenetic location: 18q21.2.
Variant type: single nucleotide variant.
Coding change: c.1157G>A on transcript NM_005215.4 (MANE Select); coding-DNA position 1157, G replaced by A.
Protein change: p.Arg386Gln; replaces arginine 386 with glutamine.
Molecular consequence: missense variant.
Genome position (GRCh38, 1-based): chr18:53,066,062, G>A. VCF-style: chr18-53066062-G-A. GRCh37 (hg19) VCF-style: chr18-50592432-G-A.
Other names: short protein forms R386Q.
Identifiers: ClinVar variation 727883 (VCV000727883.29), dbSNP rs140711456, ClinGen allele CA8966759.